The following is an entry in ClinVar:

NM_001378120.1(MBD5):c.2552C>A (p.Ala851Glu)

Gene: MBD5 (methyl-CpG binding domain protein 5; plus strand). Cytogenetic location: 2q23.1.
Variant type: single nucleotide variant.
Coding change: c.2552C>A on transcript NM_001378120.1 (MANE Select); coding-DNA position 2552, C replaced by A.
Protein change: p.Ala851Glu; replaces alanine 851 with glutamic acid.
Molecular consequence: missense variant.
Genome position (GRCh38, 1-based): chr2:148,483,143, C>A. VCF-style: chr2-148483143-C-A. GRCh37 (hg19) VCF-style: chr2-149240712-C-A.
Other names: c.2552C>A, p.Ala851Glu (NM_018328.5); short protein forms A851E.
Identifiers: ClinVar variation 1311973 (VCV001311973.7), dbSNP rs144557654, ClinGen allele CA1900190.

ClinVar aggregate classification (germline): Uncertain significance. Review status: criteria provided, multiple submitters, no conflicts (2 of 4 stars). 3 submissions from 3 submitters: Uncertain significance (3). Last evaluated 2026-03-26.

Conditions:
Inborn genetic diseases. Identifiers: MedGen C0950123, MeSH D030342.
Intellectual developmental disorder, autosomal dominant 1. Also called: MBD5 Haploinsufficiency; Intellectual disability, autosomal dominant 1. Identifiers: Orphanet 228402, MedGen C1969562, MONDO:0007974, OMIM 156200.

Allele frequency attached by ClinVar (database versions not stated): TOPMed 0.00002.
gnomAD v4.1: 6 of 1,612,070 alleles (0.00037%); highest among the groups gnomAD compares: African/African-American, 0.0013%; no homozygotes.

Submissions (3):

Ambry Genetics
Classification: Uncertain significance for Inborn genetic diseases. Last evaluated: 2026-03-26. Review status: criteria provided, single submitter. Criteria: Ambry Variant Classification Scheme 2023. Collection method: clinical testing. Allele origin: germline.
Comment: The c.2552C>A (p.A851E) alteration is located in exon 10 (coding exon 5) of the MBD5 gene. This alteration results from a C to A substitution at nucleotide position 2552, causing the alanine (A) at amino acid position 851 to be replaced by a glutamic acid (E). Based on data from gnomAD, the A allele has an overall frequency of <0.001% (1/250112) total alleles studied. The highest observed frequency was 0.006% (1/16254) of African alleles. Based on insufficient or conflicting evidence, the clinical significance of this alteration remains unclear.

Labcorp Genetics (formerly Invitae), Labcorp
Classification: Uncertain significance for Intellectual developmental disorder, autosomal dominant 1. Last evaluated: 2024-04-17. Review status: criteria provided, single submitter. Criteria: Invitae Variant Classification Sherloc (09022015). Collection method: clinical testing. Allele origin: germline.
Comment: This sequence change replaces alanine, which is neutral and non-polar, with glutamic acid, which is acidic and polar, at codon 851 of the MBD5 protein (p.Ala851Glu). This variant is not present in population databases (gnomAD no frequency). This variant has not been reported in the literature in individuals affected with MBD5-related conditions. ClinVar contains an entry for this variant (Variation ID: 1311973). Advanced modeling of protein sequence and biophysical properties (such as structural, functional, and spatial information, amino acid conservation, physicochemical variation, residue mobility, and thermodynamic stability) performed at Invitae indicates that this missense variant is not expected to disrupt MBD5 protein function with a negative predictive value of 80%. In summary, the available evidence is currently insufficient to determine the role of this variant in disease. Therefore, it has been classified as a Variant of Uncertain Significance.

GeneDx
Classification: Uncertain significance. Last evaluated: 2020-01-24. Review status: criteria provided, single submitter. Criteria: GeneDx Variant Classification Process June 2021. Collection method: clinical testing. Allele origin: germline. Affected: yes.
Comment: Not observed at a significant frequency in large population cohorts (Lek et al., 2016); In silico analysis, which includes protein predictors and evolutionary conservation, supports that this variant does not alter protein structure/function; Has not been previously published as pathogenic or benign to our knowledge